The following is an entry in ClinVar:

ClinVar aggregate classification (germline): Uncertain significance (1 of 4 stars; one submission).

gnomAD v4.1: 1 of 1,614,026 alleles (0.000062%); highest among the groups gnomAD compares: East Asian, 0.0022%; no homozygotes.

Submission:

GeneDx
Classification: Uncertain significance. Last evaluated: 2026-07-30. Review status: criteria provided, single submitter. Criteria: GeneDx Variant Classification Process June 2021. Collection method: clinical testing. Allele origin: germline.
Comment: Not observed at significant frequency in large population cohorts (gnomAD); In silico analysis indicates that this missense variant does not alter protein structure/function; Has not been previously published as pathogenic or benign to our knowledge

NM_052874.5(STX1B):c.148G>A (p.Val50Met)

Gene: STX1B (syntaxin 1B; minus strand). Cytogenetic location: 16p11.2.
Variant type: single nucleotide variant.
Coding change: c.148G>A on transcript NM_052874.5 (MANE Select); coding-DNA position 148, G replaced by A.
Protein change: p.Val50Met; replaces valine 50 with methionine.
Molecular consequence: missense variant.
Genome position (GRCh38, 1-based): chr16:31,001,151, C>T on the plus strand (G>A on the coding strand, the complement: STX1B is on the minus strand). VCF-style: chr16-31001151-C-T. GRCh37 (hg19) VCF-style: chr16-31012472-C-T.
Other names: short protein forms V50M.
Identifiers: ClinVar variation 4087988 (VCV004087988.2).
Genomic context (GRCh38, chr16:31,001,151, plus strand): 5'-CACTCTCATCTGGGTTGGGTGCGGCCAGGATGGCGCTATGCTGTTTTTTCACCTGCTCCA[C>T]ATCCTCCGACAGTTTCTCAATGCAGCCCCGGATCTCTTCCACCTGGAGCAGAAAATCGGC-3'
Protein context (NP_443106.1, residues 40-60): RGCIEKLSED[Val50Met]EQVKKQHSAI